The following is an entry in ClinVar:

ClinVar aggregate classification (germline): Pathogenic/Likely pathogenic. Review status: criteria provided, multiple submitters, no conflicts (2 of 4 stars). 2 submissions from 2 submitters: Pathogenic (1); Likely pathogenic (1). Last evaluated 2022-09-01.

Conditions:
Autosomal recessive nonsyndromic hearing loss 84B. Also called: Deafness, autosomal recessive 84b. Identifiers: Orphanet 90636, MedGen C3554159, MONDO:0013984, OMIM 614944.

Submissions (2):

3billion
Classification: Pathogenic for Autosomal recessive nonsyndromic hearing loss 84B. Last evaluated: 2022-09-01. Review status: criteria provided, single submitter. Criteria: ACMG Guidelines, 2015. Collection method: clinical testing. Allele origin: germline. Affected: yes. Observed: 1 heterozygote.
Comment: The variant is observed at an extremely low frequency in the gnomAD v2.1.1 dataset (total allele frequency: 0.002%). Frameshift variant is predicted to result in a loss or disruption of normal protein function through nonsense-mediated decay (NMD) or protein truncation. Multiple pathogenic variants are reported downstream of the variant. The variant has been reported to be associated with OTOGL-related disorder (3billion dataset). Therefore, this variant is classified as Pathogenic according to the recommendation of ACMG/AMP guideline.

Revvity Omics, Revvity
Classification: Likely pathogenic for Autosomal recessive nonsyndromic hearing loss 84B. Last evaluated: 2022-05-19. Review status: criteria provided, single submitter. Criteria: ACMG Guidelines, 2015. Collection method: clinical testing. Allele origin: germline.

NM_001378609.3(OTOGL):c.6162_6163del (p.Ala2055fs)

Gene: OTOGL (otogelin like; plus strand). Cytogenetic location: 12q21.31.
Variant type: Microsatellite.
Coding change: c.6162_6163del on transcript NM_001378609.3 (MANE Select); coding-DNA positions 6162 to 6163, 2 bases deleted (TG; older notation c.6162_6163delTG).
Protein change: p.Ala2055fs; shifts the reading frame from alanine 2055.
Molecular consequence: frameshift variant.
Genome position (GRCh38, 1-based): chr12:80,358,711-80,358,712, TG deleted; deleting any 2 consecutive bases within chr12:80,358,709-80,358,712 gives the same sequence; the c. name uses the placement nearest the transcript's 3' end. VCF-style (leftmost placement, unchanged base first): chr12-80358708-CTG-C. GRCh37 (hg19) VCF-style: chr12-80752488-CTG-C.
Other names: c.6135_6136del (NM_173591.3); c.6027_6028del, p.Ala2010fs (NM_001368062.3); c.6162_6163del, p.Ala2055fs (NM_001378610.3, NM_173591.7); short protein forms A2010fs, A2055fs.
Identifiers: ClinVar variation 1705516 (VCV001705516.4), dbSNP rs754134498, ClinGen allele CA6701933.